The following is an entry in ClinVar:

NM_002653.5(PITX1):c.235G>T (p.Gly79Cys)

Gene: PITX1 (paired like homeodomain 1; minus strand). Cytogenetic location: 5q31.1.
Variant type: single nucleotide variant.
Coding change: c.235G>T on transcript NM_002653.5 (MANE Select); coding-DNA position 235, G replaced by T.
Protein change: p.Gly79Cys; replaces glycine 79 with cysteine.
Molecular consequence: missense variant.
Genome position (GRCh38, 1-based): chr5:135,031,443, C>A on the plus strand (G>T on the coding strand, the complement: PITX1 is on the minus strand). VCF-style: chr5-135031443-C-A. GRCh37 (hg19) VCF-style: chr5-134367133-C-A.
Other names: short protein forms G79C.
Identifiers: ClinVar variation 4997105 (VCV004997105.1).

ClinVar aggregate classification (germline): Uncertain significance (1 of 4 stars; one submission).

Conditions:
PITX1-related disorder. Also called: PITX1-related condition.

Submission:

PreventionGenetics, part of Exact Sciences
Classification: Uncertain significance for PITX1-related condition. Last evaluated: 2025-06-24. Review status: criteria provided, single submitter. Criteria: ACMG Guidelines, 2015. Collection method: clinical testing. Allele origin: germline.
Comment: The PITX1 c.235G>T variant is predicted to result in the amino acid substitution p.Gly79Cys. To our knowledge, this variant has not been reported in the literature. This variant is reported in 0.00088% of alleles in individuals of European (Non-Finnish) descent in gnomAD. At this time, the clinical significance of this variant is uncertain due to the absence of conclusive functional and genetic evidence.